The following is an entry in ClinVar:

ClinVar aggregate classification (germline): Pathogenic (1 of 4 stars; one submission).

Submission:

Labcorp Genetics (formerly Invitae), Labcorp
Classification: Pathogenic. Last evaluated: 2024-05-13. Review status: criteria provided, single submitter. Criteria: Invitae Variant Classification Sherloc (09022015). Collection method: clinical testing. Allele origin: germline.
Comment: This sequence change creates a premature translational stop signal (p.Thr1448Glyfs*36) in the CACNA1F gene. It is expected to result in an absent or disrupted protein product. Loss-of-function variants in CACNA1F are known to be pathogenic (PMID: 9662399, 11281458, 17525176, 22194652, 24124559, 26992781). This variant is not present in population databases (gnomAD no frequency). This variant has not been reported in the literature in individuals affected with CACNA1F-related conditions. Algorithms developed to predict the effect of sequence changes on RNA splicing suggest that this variant may disrupt the consensus splice site. For these reasons, this variant has been classified as Pathogenic.

Literature cited by the submitters: PubMed 9662399; PubMed 11281458; PubMed 17525176; PubMed 22194652; PubMed 24124559; PubMed 26992781.

NM_001256789.3(CACNA1F):c.4309_4318del (p.Thr1437fs)

Gene: CACNA1F (calcium voltage-gated channel subunit alpha1 F; minus strand). Cytogenetic location: Xp11.23.
Variant type: Deletion.
Coding change: c.4309_4318del on transcript NM_001256789.3 (MANE Select); coding-DNA positions 4309 to 4318, 10 bases deleted (ACCAGAGATT; older notation c.4309_4318delACCAGAGATT).
Protein change: p.Thr1437fs; shifts the reading frame from threonine 1437.
Molecular consequence: frameshift variant.
Genome position (GRCh38, 1-based): chrX:49,211,035-49,211,044, AATCTCTGGT deleted on the plus strand (ACCAGAGATT on the coding strand, the reverse complement: CACNA1F is on the minus strand). VCF-style (leftmost placement, unchanged base first): chrX-49211034-CAATCTCTGGT-C. GRCh37 (hg19) VCF-style: chrX-49067494-CAATCTCTGGT-C.
Other names: c.4147_4156del, p.Thr1383fs (NM_001256790.3); c.4342_4351del, p.Thr1448fs (NM_005183.4); short protein forms T1383fs, T1437fs, T1448fs.
Identifiers: ClinVar variation 3652263 (VCV003652263.2).